The following is an entry in ClinVar:

NM_173660.5(DOK7):c.533-159_641del

Genes: DOK7 (docking protein 7; plus strand), LOC126806951 (CDK7 strongly-dependent group 2 enhancer GRCh37_chr4:3486115-3487314; plus strand). Cytogenetic location: 4p16.3.
Variant type: Deletion.
Coding change: c.533-159_641del on transcript NM_173660.5 (MANE Select); 159 bases into the intron before coding-DNA position 533 through coding-DNA position 641, 268 bases deleted.
Molecular consequence: splice acceptor variant.
Genome position (GRCh38, 1-based): chr4:3,485,380-3,485,647, 268 bases deleted. GRCh37 (hg19): chr4:3,487,107-3,487,374.
Other names: c.533-159_641del (NM_001301071.2); c.101-159_209del (NM_001363811.2); c.522-159_630del (NM_001164673.2); c.-398-159_-290del (NM_001256896.2).
Identifiers: ClinVar variation 1472207 (VCV001472207.6), dbSNP rs2109369117, ClinGen allele CA2573137590.

ClinVar aggregate classification (germline): Likely pathogenic (1 of 4 stars; one submission).

Conditions:
Congenital myasthenic syndrome 10. Also called: Myasthenia, limb-girdle, familial. Identifiers: Orphanet 590, MedGen C1850792, MONDO:0009690, OMIM 254300.
Fetal akinesia deformation sequence 1 (FADS1). Also called: Pena-Shokeir syndrome type I; Fetal akinesia sequence. Identifiers: Orphanet 994, MedGen C1276035, MONDO:0100101, OMIM 208150, HP:0001989.

Submission:

Labcorp Genetics (formerly Invitae), Labcorp
Classification: Likely pathogenic for Congenital myasthenic syndrome 10; Fetal akinesia deformation sequence 1. Last evaluated: 2020-11-16. Review status: criteria provided, single submitter. Criteria: Invitae Variant Classification Sherloc (09022015). Collection method: clinical testing. Allele origin: germline.
Comment: This variant results in the deletion of part of exon 5 (c.533-159_641del) of the DOK7 gene. It is expected to disrupt RNA splicing. Variants that disrupt the donor or acceptor splice site typically lead to a loss of protein function (PMID: 16199547), and loss-of-function variants in DOK7 are known to be pathogenic (PMID: 16794080, 16917026, 18626973, 19261599). This variant is not present in population databases (ExAC no frequency). This variant has not been reported in the literature in individuals with DOK7-related conditions. In summary, the currently available evidence indicates that the variant is pathogenic, but additional data are needed to prove that conclusively. Therefore, this variant has been classified as Likely Pathogenic.

Literature cited by the submitters: PubMed 16199547; PubMed 16794080; PubMed 16917026; PubMed 18626973; PubMed 19261599.